The following is an entry in ClinVar:

ClinVar aggregate classification (germline): Likely pathogenic (1 of 4 stars; one submission).

Conditions:
Mucopolysaccharidosis, MPS-IV-A (MPS4A). Also called: Mucopolysaccharidosis type IV A; Mucopolysaccharidosis Type IVA; Morquio syndrome A, mild; MORQUIO SYNDROME A; MPS IVA; mucopolysaccharidosis type 4A. Identifiers: Orphanet 309297, Orphanet 582, MedGen C0086651, MONDO:0009659, OMIM 253000.

Submission:

Laboratory of Diagnosis and Therapy of Lysosomal Disorders, University of Padova
Classification: Likely pathogenic for Mucopolysaccharidosis, MPS-IV-A. Last evaluated: 2021-02-01. Review status: criteria provided, single submitter. Criteria: ACMG Guidelines, 2015. Collection method: curation. Allele origin: germline. Affected: yes.
Comment: Deletion including splicing canonical site (PVS1_very strong); absent from gnomAD v2.1.1 (PM2_moderate)

Literature cited by the submitters: PubMed 32993725; PubMed 34387910.

NM_000512.5(GALNS):c.409_422+5del

Gene: GALNS (galactosamine (N-acetyl)-6-sulfatase; minus strand). Cytogenetic location: 16q24.3.
Variant type: Deletion.
Coding change: c.409_422+5del on transcript NM_000512.5 (MANE Select); coding-DNA position 409 through 5 bases into the intron after coding-DNA position 422, 19 bases deleted (ATTGTCGGCAAGTGGTAAG).
Molecular consequence: splice donor variant.
Genome position (GRCh38, 1-based): chr16:88,840,987-88,841,005, CTTACCACTTGCCGACAAT deleted on the plus strand (ATTGTCGGCAAGTGGTAAG on the coding strand, the reverse complement: GALNS is on the minus strand); deleting any 19 consecutive bases within chr16:88,840,987-88,841,008 gives the same sequence; the c. name uses the placement nearest the transcript's 3' end. VCF-style (leftmost placement, unchanged base first): chr16-88840986-ACTTACCACTTGCCGACAAT-A. GRCh37 (hg19) VCF-style: chr16-88907394-ACTTACCACTTGCCGACAAT-A.
Other names: c.-147_-134+5del (NM_001323543.2); c.427_440+5del (NM_001323544.2).
Identifiers: ClinVar variation 1048396 (VCV001048396.3), dbSNP rs2143004580, ClinGen allele CA2499223762.